The following is an entry in ClinVar:

NM_001382273.1(TNK2):c.3045C>T (p.Leu1015=)

Gene: TNK2 (tyrosine kinase non receptor 2; minus strand). Cytogenetic location: 3q29.
Variant type: single nucleotide variant.
Coding change: c.3045C>T on transcript NM_001382273.1 (MANE Select); coding-DNA position 3045, C replaced by T.
Protein change: p.Leu1015=; no amino-acid change (leucine 1015 retained).
Molecular consequence: synonymous variant. On other transcripts: non-coding transcript variant (15).
Genome position (GRCh38, 1-based): chr3:195,867,005, G>A on the plus strand (C>T on the coding strand, the complement: TNK2 is on the minus strand). VCF-style: chr3-195867005-G-A. GRCh37 (hg19) VCF-style: chr3-195593876-G-A.
Other names: c.3021C>T, p.Leu1007= (NM_001010938.2); c.3000C>T, p.Leu1000= (NM_001308046.2, NM_001386164.1, NM_001387709.1 and 3 more transcripts); c.3096C>T, p.Leu1032= (NM_001382271.1); c.3117C>T, p.Leu1039= (NM_001382272.1); c.3045C>T, p.Leu1015= (NM_001382274.1, NM_001382275.1); c.3141C>T, p.Leu1047= (NM_001387707.1); c.3072C>T, p.Leu1024= (NM_001387708.1); c.2994C>T, p.Leu998= (NM_001387713.1, NM_001387714.1, NM_005781.5); and 3 more.
Identifiers: ClinVar variation 2654499 (VCV002654499.24), dbSNP rs2474144533, ClinGen allele CA437741011.
Genomic context (GRCh38, chr3:195,867,005, plus strand): 5'-CCAGTCGAACATCTCCAGCACTTTGTGGCACTCCCCTCTGGGCCGCAGACCCAGCCCGAA[G>A]AGCTGCTCCACCTGGGGGTAAGGGTGGCGCCATGGACACGCGGGCCCAGGGCACCGACTA-3'
Protein context (NP_001369202.1, residues 1005-1025): RAAQYLKVEQ[Leu1015=]FGLGLRPRGE

ClinVar aggregate classification (germline): Likely benign (1 of 4 stars; one submission).

Submission:

CeGaT Center for Human Genetics Tuebingen
Classification: Likely benign. Last evaluated: 2023-01-01. Review status: criteria provided, single submitter. Criteria: CeGaT Center For Human Genetics Tuebingen Variant Classification Criteria Version 2. Collection method: clinical testing. Allele origin: germline. Affected: yes. Observed: 1 variant allele.
Comment: TNK2: PM2:Supporting, BP4, BP7